The following is an entry in ClinVar:

ClinVar aggregate classification (germline): Uncertain significance. Review status: criteria provided, multiple submitters, no conflicts (2 of 4 stars). 3 submissions from 3 submitters: Uncertain significance (3). Last evaluated 2025-05-27.

Conditions:
Autosomal recessive nonsyndromic hearing loss 3. Also called: NEUROSENSORY NONSYNDROMIC RECESSIVE DEAFNESS 3. Identifiers: Orphanet 90636, MedGen C1838263, MONDO:0010860, OMIM 600316.

gnomAD v4.1: 12 of 1,613,548 alleles (0.00074%); highest among the groups gnomAD compares: African/African-American, 0.004%; no homozygotes.

Submissions (3):

Women's Health and Genetics/Laboratory Corporation of America, LabCorp
Classification: Uncertain significance. Last evaluated: 2025-05-27. Review status: criteria provided, single submitter. Criteria: LabCorp Variant Classification Summary - May 2015. Collection method: clinical testing. Allele origin: germline.
Comment: Variant summary: MYO15A c.3892G>A (p.Ala1298Thr) results in a non-conservative amino acid change located in the Myosin head, motor domain (IPR001609) of the encoded protein sequence. Algorithms developed to predict the effect of missense changes on protein structure and function all suggest that this variant is likely to be disruptive. The variant allele was found at a frequency of 1.6e-05 in 249550 control chromosomes. c.3892G>A has been reported in the literature in the presumed compound heterozygous state in at least 2 individuals affected with Autosomal Recessive Nonsyndromic Hearing Loss 3 (Gu_2015, Chen_2022). These data indicate that the variant may be associated with disease. To our knowledge, no experimental evidence demonstrating an impact on protein function has been reported. The following publications have been ascertained in the context of this evaluation (PMID: 34974475, 24853665). ClinVar contains an entry for this variant (Variation ID: 3366817). Based on the evidence outlined above, the variant was classified as VUS-possibly pathogenic.

GeneDx
Classification: Uncertain significance. Last evaluated: 2024-10-03. Review status: criteria provided, single submitter. Criteria: GeneDx Variant Classification Process June 2021. Collection method: clinical testing. Allele origin: germline. Affected: yes.
Comment: Reported with a second variant (phase unknown) in patients with hearing loss referred for genetic testing at GeneDx and in published literature (PMID: 24853665); In silico analysis supports that this missense variant has a deleterious effect on protein structure/function; This variant is associated with the following publications: (PMID: 34974475, 24853665)

Juno Genomics, Hangzhou Juno Genomics, Inc
Classification: Uncertain significance for Autosomal recessive nonsyndromic hearing loss 3. Review status: criteria provided, single submitter. Criteria: ACMG Guidelines, 2015. Collection method: clinical testing. Allele origin: germline.
Comment: Absent from controls (or at extremely low frequency if recessive) in Genome Aggregation Database.;Multiple lines of computational evidence support a deleterious effect on the gene or gene product.

Literature cited by the submitters: PubMed 24853665 (cited by Women's Health and Genetics/Laboratory Corporation of America, LabCorp); PubMed 34974475 (cited by Women's Health and Genetics/Laboratory Corporation of America, LabCorp).

NM_016239.4(MYO15A):c.3892G>A (p.Ala1298Thr)

Gene: MYO15A (myosin XVA; plus strand). Cytogenetic location: 17p11.2.
Variant type: single nucleotide variant.
Coding change: c.3892G>A on transcript NM_016239.4 (MANE Select); coding-DNA position 3892, G replaced by A.
Protein change: p.Ala1298Thr; replaces alanine 1298 with threonine.
Molecular consequence: missense variant.
Genome position (GRCh38, 1-based): chr17:18,126,816, G>A. VCF-style: chr17-18126816-G-A. GRCh37 (hg19) VCF-style: chr17-18030130-G-A.
Other names: c.3892G>A (NM_016239.3); short protein forms A1298T.
Identifiers: ClinVar variation 3366817 (VCV003366817.5).